The following is an entry in ClinVar:

ClinVar aggregate classification (germline): Conflicting classifications of pathogenicity. Review status: criteria provided, conflicting classifications (1 of 4 stars). 7 submissions from 5 submitters: Uncertain significance (6); Likely benign (1). Last evaluated 2025-12-31.

Conditions:
Thrombophilia due to thrombin defect (THPH1). Also called: Prothrombin Thrombophilia; Thrombosis susceptibility; THROMBOPHILIA DUE TO FACTOR 2 DEFECT; Prothrombin-Related Thrombophilia (Factor II). Identifiers: MedGen C3160733, MONDO:0008559, OMIM 188050. Disease mechanism: gain of function, loss of function.
Inborn genetic diseases. Identifiers: MedGen C0950123, MeSH D030342.
Factor V deficiency. Also called: Reduced coagulation factor V activity. Identifiers: Orphanet 326, MedGen C4317320, MONDO:0020586, HP:0003225.
Budd-Chiari syndrome (BDCHS). Also called: Hepatic vein obstruction. Identifiers: Orphanet 131, MedGen C0856761, MONDO:0010947, OMIM 600880, HP:0002639.
F5-related disorder. Also called: F5-related condition.
Pregnancy loss, recurrent, susceptibility to, 1 (RPRGL1). Also called: EMBRYONIC LOSS, RECURRENT; MISCARRIAGE, RECURRENT; STILLBIRTH, RECURRENT; FETAL LOSS, RECURRENT, SUSCEPTIBILITY TO. Identifiers: MedGen C3280670, MONDO:0013727, OMIM 614389.
Ischemic stroke. Also called: CEREBROVASCULAR ACCIDENT; Ischemic stroke, susceptibility to. Identifiers: MedGen C0948008, MONDO:1060198, OMIM 601367, HP:0002140.
Thrombophilia due to activated protein C resistance (THPH2). Also called: Activated protein C resistance; PCCF DEFICIENCY; PROC COFACTOR DEFICIENCY; THROMBOPHILIA DUE TO DEFICIENCY OF ACTIVATED PROTEIN C COFACTOR; THROMBOPHILIA V; Hereditary Resistance to Activated Protein C. Identifiers: MedGen C1861171, MONDO:0008560, OMIM 188055. Disease mechanism: gain of function, loss of function.
Congenital factor V deficiency. Also called: Hereditary factor V deficiency disease; LABILE FACTOR DEFICIENCY; OWREN PARAHEMOPHILIA; PARAHEMOPHILIA. Identifiers: Orphanet 326, MedGen C0015499, MONDO:0009210, OMIM 227400.

Allele frequency attached by ClinVar (database versions not stated): gnomAD 0.00005 and 0.00006; TOPMed 0.00005; gnomAD exomes 0.00008 and 0.00024; ExAC 0.00011; ESP Exome Variant Server 0.00015.
gnomAD v4.1: 350 of 1,613,982 alleles (0.022%); highest among the groups gnomAD compares: Non-Finnish European, 0.029%; no homozygotes.

Submissions (7):

Labcorp Genetics (formerly Invitae), Labcorp
Classification: Likely benign for Congenital factor V deficiency. Last evaluated: 2025-12-31. Review status: criteria provided, single submitter. Criteria: Invitae Variant Classification Sherloc (09022015). Collection method: clinical testing. Allele origin: germline.

Ambry Genetics
Classification: Uncertain significance for Inborn genetic diseases. Last evaluated: 2025-11-25. Review status: criteria provided, single submitter. Criteria: Ambry Variant Classification Scheme 2023. Collection method: clinical testing. Allele origin: germline.
Comment: The p.S1148P variant (also known as c.3442T>C), located in coding exon 13 of the F5 gene, results from a T to C substitution at nucleotide position 3442. The serine at codon 1148 is replaced by proline, an amino acid with similar properties. This amino acid position is conserved. In addition, this alteration is predicted to be tolerated by in silico analysis. Based on the available evidence, the clinical significance of this variant remains unclear.

PreventionGenetics, part of Exact Sciences
Classification: Uncertain significance for F5-related condition. Last evaluated: 2025-11-21. Review status: criteria provided, single submitter. Criteria: ACMG Guidelines, 2015. Collection method: clinical testing. Allele origin: germline.
Comment: The F5 c.3442T>C variant is predicted to result in the amino acid substitution p.Ser1148Pro. To our knowledge, this variant has not been reported in the literature. This variant is reported in 0.016% of alleles in individuals of European (Non-Finnish) descent in gnomAD. At this time, the clinical significance of this variant is uncertain due to the absence of conclusive functional and genetic evidence.

Department of Pathology and Laboratory Medicine, Sinai Health System
Classification: Uncertain significance for Thrombophilia due to activated protein C resistance; Congenital factor V deficiency; Budd-Chiari syndrome; Ischemic stroke; Pregnancy loss, recurrent, susceptibility to, 1. Last evaluated: 2021-07-30. Review status: criteria provided, single submitter. Criteria: ACMG Guidelines, 2015. Collection method: research. Allele origin: germline.

Illumina Laboratory Services, Illumina
Classification: Uncertain significance for Budd-Chiari syndrome. Last evaluated: 2018-01-13. Review status: criteria provided, single submitter. Criteria: ICSL Variant Classification Criteria 13 December 2019. Collection method: clinical testing. Allele origin: germline.

Illumina Laboratory Services, Illumina
Classification: Uncertain significance for Venous thrombosis. Last evaluated: 2018-01-13. Review status: criteria provided, single submitter. Criteria: ICSL Variant Classification Criteria 13 December 2019. Collection method: clinical testing. Allele origin: germline.

Illumina Laboratory Services, Illumina
Classification: Uncertain significance for Congenital factor V deficiency. Last evaluated: 2018-01-13. Review status: criteria provided, single submitter. Criteria: ICSL Variant Classification Criteria 13 December 2019. Collection method: clinical testing. Allele origin: germline.

NM_000130.5(F5):c.3442T>C (p.Ser1148Pro)

Gene: F5 (coagulation factor V; minus strand). Cytogenetic location: 1q24.2.
Variant type: single nucleotide variant.
Coding change: c.3442T>C on transcript NM_000130.5 (MANE Select); coding-DNA position 3442, T replaced by C.
Protein change: p.Ser1148Pro; replaces serine 1148 with proline.
Molecular consequence: missense variant.
Genome position (GRCh38, 1-based): chr1:169,541,648, A>G on the plus strand (T>C on the coding strand, the complement: F5 is on the minus strand). VCF-style: chr1-169541648-A-G. GRCh37 (hg19) VCF-style: chr1-169510886-A-G.
Other names: short protein forms S1148P.
Identifiers: ClinVar variation 293607 (VCV000293607.16), dbSNP rs369276714, ClinGen allele CA1233909.
Genomic context (GRCh38, chr1:169,541,648, plus strand): 5'-TGGGGAAGGACTTGTGACTTCGGTCATACTCAAGCATTTCACTGAGCTCTGGAGAAGAGG[A>G]TCTGTGACTGGGGTCTGAAGTAGAGTGCATTTGATCAGGGTCTTGAATGGGGAATGTTTG-3'
Protein context (NP_000121.2, residues 1138-1158): MHSTSDPSHR[Ser1148Pro]SSPELSEMLE